The following is an entry in ClinVar:

NM_000660.7(TGFB1):c.502G>A (p.Val168Met)

Gene: TGFB1 (transforming growth factor beta 1; minus strand). Cytogenetic location: 19q13.2.
Variant type: single nucleotide variant.
Coding change: c.502G>A on transcript NM_000660.7 (MANE Select); coding-DNA position 502, G replaced by A.
Protein change: p.Val168Met; replaces valine 168 with methionine.
Molecular consequence: missense variant.
Genome position (GRCh38, 1-based): chr19:41,348,309, C>T on the plus strand (G>A on the coding strand, the complement: TGFB1 is on the minus strand). VCF-style: chr19-41348309-C-T. GRCh37 (hg19) VCF-style: chr19-41854214-C-T.
Other names: short protein forms V168M.
Identifiers: ClinVar variation 1346195 (VCV001346195.8), dbSNP rs1301240679, ClinGen allele CA406003494.

ClinVar aggregate classification (germline): Uncertain significance (1 of 4 stars; one submission).

Allele frequency attached by ClinVar (database versions not stated): gnomAD exomes 0.00001; TOPMed 0.00001.
gnomAD v4.1: 12 of 1,612,952 alleles (0.00074%); highest among the groups gnomAD compares: African/African-American, 0.0013%; no homozygotes.

Submission:

Labcorp Genetics (formerly Invitae), Labcorp
Classification: Uncertain significance. Last evaluated: 2025-08-13. Review status: criteria provided, single submitter. Criteria: Invitae Variant Classification Sherloc (09022015). Collection method: clinical testing. Allele origin: germline.
Comment: This sequence change replaces valine, which is neutral and non-polar, with methionine, which is neutral and non-polar, at codon 168 of the TGFB1 protein (p.Val168Met). This variant is present in population databases (no rsID available, gnomAD 0.007%). This variant has not been reported in the literature in individuals affected with TGFB1-related conditions. ClinVar contains an entry for this variant (Variation ID: 1346195). Invitae Evidence Modeling of protein sequence and biophysical properties (such as structural, functional, and spatial information, amino acid conservation, physicochemical variation, residue mobility, and thermodynamic stability) indicates that this missense variant is not expected to disrupt TGFB1 protein function with a negative predictive value of 80%. In summary, the available evidence is currently insufficient to determine the role of this variant in disease. Therefore, it has been classified as a Variant of Uncertain Significance.